The following is an entry in ClinVar:

NM_000493.4(COL10A1):c.*1025C>T

Genes: COL10A1 (collagen type X alpha 1 chain; minus strand), NT5DC1 (5'-nucleotidase domain containing 1; plus strand). Cytogenetic location: 6q22.1.
Variant type: single nucleotide variant.
Coding change: c.*1025C>T on transcript NM_000493.4 (MANE Select); 1025 bases downstream of the stop codon, C replaced by T.
Molecular consequence: 3 prime UTR variant. On other transcripts: intron variant (1).
Genome position (GRCh38, 1-based): chr6:116,119,048, G>A on the plus strand (C>T on the coding strand, the complement: COL10A1 is on the minus strand). VCF-style: chr6-116119048-G-A. GRCh37 (hg19) VCF-style: chr6-116440211-G-A.
Other names: c.*1025C>T (NM_001424106.1, NM_001424107.1); c.529+1103G>A (NM_152729.3).
Identifiers: ClinVar variation 355070 (VCV000355070.5), dbSNP rs139574236, ClinGen allele CA10622812.

ClinVar aggregate classification (germline): Benign (1 of 4 stars; one submission).

Conditions:
Metaphyseal chondrodysplasia, Schmid type (MCDS). Also called: SPONDYLOMETAPHYSEAL DYSPLASIA, JAPANESE TYPE. Identifiers: Orphanet 174, MedGen C0265289, MONDO:0007983, OMIM 156500.

Allele frequency attached by ClinVar (database versions not stated): gnomAD 0.00163 and 0.00214; TOPMed 0.00260; 1000 Genomes Project 30x 0.00781; 1000 Genomes Project 0.00799.

Submission:

Illumina Laboratory Services, Illumina
Classification: Benign for Metaphyseal chondrodysplasia, Schmid type. Last evaluated: 2018-01-13. Review status: criteria provided, single submitter. Criteria: ICSL Variant Classification Criteria 13 December 2019. Collection method: clinical testing. Allele origin: germline.
Comment: This variant was observed in the ICSL laboratory as part of a predisposition screen in an ostensibly healthy population. It had not been previously curated by ICSL or reported in the Human Gene Mutation Database (HGMD: prior to June 1st, 2018), and was therefore a candidate for classification through an automated scoring system. Utilizing variant allele frequency, disease prevalence and penetrance estimates, and inheritance mode, an automated score was calculated to assess if this variant is too frequent to cause the disease. Based on the score and internal cut-off values, a variant classified as benign is not then subjected to further curation. The score for this variant resulted in a classification of benign for this disease.